The following is an entry in ClinVar:

NM_015474.4(SAMHD1):c.1612del (p.Ser538fs)

Gene: SAMHD1 (SAM and HD domain containing deoxynucleoside triphosphate triphosphohydrolase 1; minus strand). Cytogenetic location: 20q11.23.
Variant type: Deletion.
Coding change: c.1612del on transcript NM_015474.4 (MANE Select); coding-DNA position 1612, one base deleted (T; older notation c.1612delT).
Protein change: p.Ser538fs; shifts the reading frame from serine 538.
Molecular consequence: frameshift variant.
Genome position (GRCh38, 1-based): chr20:36,897,956, A deleted on the plus strand (T on the coding strand, the reverse complement: SAMHD1 is on the minus strand); the first of 3 consecutive A bases (chr20:36,897,956-36,897,958); deleting any one gives the same sequence. VCF-style (leftmost placement, unchanged base first): chr20-36897955-GA-G. GRCh37 (hg19) VCF-style: chr20-35526358-GA-G.
Other names: c.1507del, p.Ser503fs (NM_001363729.2); c.1612del, p.Ser538fs (NM_001363733.2); short protein forms S503fs, S538fs.
Identifiers: ClinVar variation 2838205 (VCV002838205.3), dbSNP rs2515217684, ClinGen allele CA2652741929.

ClinVar aggregate classification (germline): Pathogenic (1 of 4 stars; one submission).

Conditions:
Aicardi-Goutieres syndrome 5. Identifiers: Orphanet 51, MedGen C2749659, MONDO:0013059, OMIM 612952.

Submission:

Labcorp Genetics (formerly Invitae), Labcorp
Classification: Pathogenic for Aicardi-Goutieres syndrome 5. Last evaluated: 2023-02-16. Review status: criteria provided, single submitter. Criteria: Invitae Variant Classification Sherloc (09022015). Collection method: clinical testing. Allele origin: germline.
Comment: This sequence change creates a premature translational stop signal (p.Ser538Hisfs*12) in the SAMHD1 gene. It is expected to result in an absent or disrupted protein product. Loss-of-function variants in SAMHD1 are known to be pathogenic (PMID: 19525956, 22461318). This variant is not present in population databases (gnomAD no frequency). This variant has not been reported in the literature in individuals affected with SAMHD1-related conditions. For these reasons, this variant has been classified as Pathogenic.

Literature cited by the submitters: PubMed 19525956; PubMed 22461318.